The following is an entry in ClinVar:

NM_001001290.2(SLC2A9):c.63G>C (p.Leu21Phe)

Genes: SLC2A9 (solute carrier family 2 member 9; minus strand), SLC2A9-AS3 (SLC2A9 antisense RNA 3; plus strand). Cytogenetic location: 4p16.1.
Variant type: single nucleotide variant.
Coding change: c.63G>C on transcript NM_001001290.2; coding-DNA position 63, G replaced by C.
Protein change: p.Leu21Phe; replaces leucine 21 with phenylalanine.
Molecular consequence: missense variant.
Genome position (GRCh38, 1-based): chr4:10,025,904, C>G on the plus strand (G>C on the coding strand, the complement: SLC2A9 is on the minus strand). VCF-style: chr4-10025904-C-G. GRCh37 (hg19) VCF-style: chr4-10027528-C-G.
Other names: NC_000004.11:g.10027528C>G; c.63G>C (NM_001001290.1); short protein forms L21F.
Identifiers: ClinVar variation 4300772 (VCV004300772.2).

ClinVar aggregate classification (germline): Uncertain significance (1 of 4 stars; one submission).

Conditions:
SLC2A9-related disorder. Also called: SLC2A9-related condition.

gnomAD v4.1: 78 of 1,613,880 alleles (0.0048%); highest among the groups gnomAD compares: Non-Finnish European, 0.0061%; no homozygotes.

Submissions (2):

PreventionGenetics, part of Exact Sciences
Classification: Uncertain significance for SLC2A9-related condition. Last evaluated: 2026-04-13. Review status: criteria provided, single submitter. Criteria: ACMG Guidelines, 2015. Collection method: clinical testing. Allele origin: germline.
Comment: The SLC2A9 c.63G>C variant is predicted to result in the amino acid substitution p.Leu21Phe. To our knowledge, this variant has not been reported in the literature. This variant is reported in 0.0079% of alleles in individuals of European (Non-Finnish) descent in gnomAD. At this time, the clinical significance of this variant is uncertain due to the absence of conclusive functional and genetic evidence.

Dr. Peter K. Rogan Lab, Western University
No classification provided (evidence only). Condition: Thymoma. Review status: no classification provided. Collection method: in vitro. Allele origin: not applicable. Functional consequence: retained intron. Not counted in ClinVar's aggregate classification.